The following continues an entry in ClinVar:

NM_024057.4(NUP37):c.723-7C>A

Gene: NUP37. ClinVar aggregate classification (germline): Benign.

Submissions 33 to 67 of 67:

Dr. Peter K. Rogan Lab, Western University
No classification provided (evidence only). Condition: Cervical cancer. Review status: no classification provided. Collection method: in vitro. Allele origin: not applicable. Functional consequence: skipped exon. Not counted in ClinVar's aggregate classification.

Dr. Peter K. Rogan Lab, Western University
No classification provided (evidence only). Condition: Cervical cancer. Review status: no classification provided. Collection method: in vitro. Allele origin: not applicable. Functional consequence: skipped exon, retained intron. Not counted in ClinVar's aggregate classification.

Dr. Peter K. Rogan Lab, Western University
No classification provided (evidence only). Condition: Cervical cancer. Review status: no classification provided. Collection method: in vitro. Allele origin: not applicable. Functional consequence: skipped exon, retained intron. Not counted in ClinVar's aggregate classification.

Dr. Peter K. Rogan Lab, Western University
No classification provided (evidence only). Condition: Cervical cancer. Review status: no classification provided. Collection method: in vitro. Allele origin: not applicable. Functional consequence: skipped exon, retained intron. Not counted in ClinVar's aggregate classification.

Dr. Peter K. Rogan Lab, Western University
No classification provided (evidence only). Condition: Cervical cancer. Review status: no classification provided. Collection method: in vitro. Allele origin: not applicable. Functional consequence: skipped exon, retained intron. Not counted in ClinVar's aggregate classification.

Dr. Peter K. Rogan Lab, Western University
No classification provided (evidence only). Condition: Sarcoma. Review status: no classification provided. Collection method: in vitro. Allele origin: not applicable. Functional consequence: retained intron. Not counted in ClinVar's aggregate classification.

Dr. Peter K. Rogan Lab, Western University
No classification provided (evidence only). Condition: Sarcoma. Review status: no classification provided. Collection method: in vitro. Allele origin: not applicable. Functional consequence: retained intron. Not counted in ClinVar's aggregate classification.

Dr. Peter K. Rogan Lab, Western University
No classification provided (evidence only). Condition: Sarcoma. Review status: no classification provided. Collection method: in vitro. Allele origin: not applicable. Functional consequence: retained intron. Not counted in ClinVar's aggregate classification.

Dr. Peter K. Rogan Lab, Western University
No classification provided (evidence only). Condition: Sarcoma. Review status: no classification provided. Collection method: in vitro. Allele origin: not applicable. Functional consequence: skipped exon, retained intron. Not counted in ClinVar's aggregate classification.

Dr. Peter K. Rogan Lab, Western University
No classification provided (evidence only). Condition: Sarcoma. Review status: no classification provided. Collection method: in vitro. Allele origin: not applicable. Functional consequence: skipped exon, retained intron. Not counted in ClinVar's aggregate classification.

Dr. Peter K. Rogan Lab, Western University
No classification provided (evidence only). Condition: Sarcoma. Review status: no classification provided. Collection method: in vitro. Allele origin: not applicable. Functional consequence: skipped exon, retained intron. Not counted in ClinVar's aggregate classification.

Dr. Peter K. Rogan Lab, Western University
No classification provided (evidence only). Condition: Sarcoma. Review status: no classification provided. Collection method: in vitro. Allele origin: not applicable. Functional consequence: skipped exon. Not counted in ClinVar's aggregate classification.

Dr. Peter K. Rogan Lab, Western University
No classification provided (evidence only). Condition: Malignant lymphoma, large B-cell, diffuse. Review status: no classification provided. Collection method: in vitro. Allele origin: not applicable. Functional consequence: skipped exon, retained intron. Not counted in ClinVar's aggregate classification.

Dr. Peter K. Rogan Lab, Western University
No classification provided (evidence only). Condition: Thymoma. Review status: no classification provided. Collection method: in vitro. Allele origin: not applicable. Functional consequence: skipped exon, retained intron. Not counted in ClinVar's aggregate classification.

Dr. Peter K. Rogan Lab, Western University
No classification provided (evidence only). Condition: Thymoma. Review status: no classification provided. Collection method: in vitro. Allele origin: not applicable. Functional consequence: skipped exon, retained intron. Not counted in ClinVar's aggregate classification.

Dr. Peter K. Rogan Lab, Western University
No classification provided (evidence only). Condition: Thymoma. Review status: no classification provided. Collection method: in vitro. Allele origin: not applicable. Functional consequence: skipped exon. Not counted in ClinVar's aggregate classification.

Dr. Peter K. Rogan Lab, Western University
No classification provided (evidence only). Condition: Thymoma. Review status: no classification provided. Collection method: in vitro. Allele origin: not applicable. Functional consequence: skipped exon. Not counted in ClinVar's aggregate classification.

Dr. Peter K. Rogan Lab, Western University
No classification provided (evidence only). Condition: Thymoma. Review status: no classification provided. Collection method: in vitro. Allele origin: not applicable. Functional consequence: skipped exon, retained intron. Not counted in ClinVar's aggregate classification.

Dr. Peter K. Rogan Lab, Western University
No classification provided (evidence only). Condition: Cholangiocarcinoma. Review status: no classification provided. Collection method: in vitro. Allele origin: not applicable. Functional consequence: retained intron. Not counted in ClinVar's aggregate classification.

Dr. Peter K. Rogan Lab, Western University
No classification provided (evidence only). Condition: Cholangiocarcinoma. Review status: no classification provided. Collection method: in vitro. Allele origin: not applicable. Functional consequence: retained intron. Not counted in ClinVar's aggregate classification.

Dr. Peter K. Rogan Lab, Western University
No classification provided (evidence only). Condition: Ovarian serous cystadenocarcinoma. Review status: no classification provided. Collection method: in vitro. Allele origin: not applicable. Functional consequence: retained intron. Not counted in ClinVar's aggregate classification.

Dr. Peter K. Rogan Lab, Western University
No classification provided (evidence only). Condition: Ovarian serous cystadenocarcinoma. Review status: no classification provided. Collection method: in vitro. Allele origin: not applicable. Functional consequence: retained intron. Not counted in ClinVar's aggregate classification.

Dr. Peter K. Rogan Lab, Western University
No classification provided (evidence only). Condition: Ovarian serous cystadenocarcinoma. Review status: no classification provided. Collection method: in vitro. Allele origin: not applicable. Functional consequence: retained intron. Not counted in ClinVar's aggregate classification.

Dr. Peter K. Rogan Lab, Western University
No classification provided (evidence only). Condition: Ovarian serous cystadenocarcinoma. Review status: no classification provided. Collection method: in vitro. Allele origin: not applicable. Functional consequence: retained intron. Not counted in ClinVar's aggregate classification.

Dr. Peter K. Rogan Lab, Western University
No classification provided (evidence only). Condition: Ovarian serous cystadenocarcinoma. Review status: no classification provided. Collection method: in vitro. Allele origin: not applicable. Functional consequence: retained intron. Not counted in ClinVar's aggregate classification.

Dr. Peter K. Rogan Lab, Western University
No classification provided (evidence only). Condition: Ovarian serous cystadenocarcinoma. Review status: no classification provided. Collection method: in vitro. Allele origin: not applicable. Functional consequence: retained intron. Not counted in ClinVar's aggregate classification.

Dr. Peter K. Rogan Lab, Western University
No classification provided (evidence only). Condition: Gastric cancer. Review status: no classification provided. Collection method: in vitro. Allele origin: not applicable. Functional consequence: retained intron. Not counted in ClinVar's aggregate classification.

Dr. Peter K. Rogan Lab, Western University
No classification provided (evidence only). Condition: Gastric cancer. Review status: no classification provided. Collection method: in vitro. Allele origin: not applicable. Functional consequence: retained intron. Not counted in ClinVar's aggregate classification.

Dr. Peter K. Rogan Lab, Western University
No classification provided (evidence only). Condition: Gastric cancer. Review status: no classification provided. Collection method: in vitro. Allele origin: not applicable. Functional consequence: retained intron. Not counted in ClinVar's aggregate classification.

Dr. Peter K. Rogan Lab, Western University
No classification provided (evidence only). Condition: Uterine carcinosarcoma. Review status: no classification provided. Collection method: in vitro. Allele origin: not applicable. Functional consequence: retained intron. Not counted in ClinVar's aggregate classification.

Dr. Peter K. Rogan Lab, Western University
No classification provided (evidence only). Condition: Uterine carcinosarcoma. Review status: no classification provided. Collection method: in vitro. Allele origin: not applicable. Functional consequence: retained intron. Not counted in ClinVar's aggregate classification.

Dr. Peter K. Rogan Lab, Western University
No classification provided (evidence only). Condition: Uterine carcinosarcoma. Review status: no classification provided. Collection method: in vitro. Allele origin: not applicable. Functional consequence: retained intron. Not counted in ClinVar's aggregate classification.

Dr. Peter K. Rogan Lab, Western University
No classification provided (evidence only). Condition: Uterine carcinosarcoma. Review status: no classification provided. Collection method: in vitro. Allele origin: not applicable. Functional consequence: retained intron. Not counted in ClinVar's aggregate classification.

Dr. Peter K. Rogan Lab, Western University
No classification provided (evidence only). Condition: Uveal melanoma. Review status: no classification provided. Collection method: in vitro. Allele origin: not applicable. Functional consequence: skipped exon, retained intron. Not counted in ClinVar's aggregate classification.

Dr. Peter K. Rogan Lab, Western University
No classification provided (evidence only). Condition: Malignant tumor of esophagus. Review status: no classification provided. Collection method: in vitro. Allele origin: not applicable. Functional consequence: skipped exon, retained intron. Not counted in ClinVar's aggregate classification.